The following is an entry in ClinVar:

NM_024513.4(FYCO1):c.241G>A (p.Val81Met)

Gene: FYCO1 (FYVE and coiled-coil domain autophagy adaptor 1; minus strand). Cytogenetic location: 3p21.31.
Variant type: single nucleotide variant.
Coding change: c.241G>A on transcript NM_024513.4 (MANE Select); coding-DNA position 241, G replaced by A.
Protein change: p.Val81Met; replaces valine 81 with methionine.
Molecular consequence: missense variant.
Genome position (GRCh38, 1-based): chr3:45,979,752, C>T on the plus strand (G>A on the coding strand, the complement: FYCO1 is on the minus strand). VCF-style: chr3-45979752-C-T. GRCh37 (hg19) VCF-style: chr3-46021244-C-T.
Other names: short protein forms V81M.
Identifiers: ClinVar variation 468441 (VCV000468441.5), dbSNP rs1167055520, ClinGen allele CA352442738.

ClinVar aggregate classification (germline): Uncertain significance (1 of 4 stars; one submission).

Conditions:
Cataract 18 (CATC2). Also called: CATARACT 18, AUTOSOMAL RECESSIVE. Identifiers: Orphanet 91492, Orphanet 98991, Orphanet 98992, Orphanet 98995, MedGen C1864908, MONDO:0012395, OMIM 610019.

Allele frequency attached by ClinVar (database versions not stated): gnomAD 0.00001; gnomAD exomes 0.00001; TOPMed 0.00001.
gnomAD v4.1: 10 of 1,614,022 alleles (0.00062%); highest among the groups gnomAD compares: Admixed American, 0.0017%; no homozygotes.

Submission:

Labcorp Genetics (formerly Invitae), Labcorp
Classification: Uncertain significance for Cataract 18. Last evaluated: 2016-12-20. Review status: criteria provided, single submitter. Criteria: Invitae Variant Classification Sherloc (09022015). Collection method: clinical testing. Allele origin: germline.
Comment: Algorithms developed to predict the effect of missense changes on protein structure and function do not agree on the potential impact of this missense change (SIFT: "Deleterious"; PolyPhen-2: "Probably Damaging"; Align-GVGD: "Class C0"). In summary, this variant is a novel missense change with uncertain impact on protein function. It has been classified as a Variant of Uncertain Significance. This variant is not present in population databases (ExAC no frequency) and has not been reported in the literature in individuals with a FYCO1-related disease. This sequence change replaces valine with methionine at codon 81 of the FYCO1 protein (p.Val81Met). The valine residue is highly conserved and there is a small physicochemical difference between valine and methionine.